The following is an entry in ClinVar:

ClinVar aggregate classification (germline): Uncertain significance (1 of 4 stars; one submission).

Allele frequency attached by ClinVar (database versions not stated): gnomAD exomes 0.00002; gnomAD 0.00005; ExAC 0.00006; TOPMed 0.00006.
gnomAD v4.1: 42 of 1,600,918 alleles (0.0026%); highest among the groups gnomAD compares: African/African-American, 0.012%; no homozygotes.

Submission:

Labcorp Genetics (formerly Invitae), Labcorp
Classification: Uncertain significance. Last evaluated: 2022-10-05. Review status: criteria provided, single submitter. Criteria: Invitae Variant Classification Sherloc (09022015). Collection method: clinical testing. Allele origin: germline.
Comment: This variant is present in population databases (rs746067305, gnomAD 0.02%). In summary, the available evidence is currently insufficient to determine the role of this variant in disease. Therefore, it has been classified as a Variant of Uncertain Significance. Algorithms developed to predict the effect of missense changes on protein structure and function output the following: SIFT: "Tolerated"; PolyPhen-2: "Benign"; Align-GVGD: "Class C0". The arginine amino acid residue is found in multiple mammalian species, which suggests that this missense change does not adversely affect protein function. This variant has not been reported in the literature in individuals affected with SLC27A5-related conditions. This sequence change replaces glycine, which is neutral and non-polar, with arginine, which is basic and polar, at codon 172 of the SLC27A5 protein (p.Gly172Arg).

NM_012254.3(SLC27A5):c.514G>A (p.Gly172Arg)

Gene: SLC27A5 (solute carrier family 27 member 5; minus strand). Cytogenetic location: 19q13.43.
Variant type: single nucleotide variant.
Coding change: c.514G>A on transcript NM_012254.3 (MANE Select); coding-DNA position 514, G replaced by A.
Protein change: p.Gly172Arg; replaces glycine 172 with arginine.
Molecular consequence: missense variant. On other transcripts: intron variant (1).
Genome position (GRCh38, 1-based): chr19:58,511,442, C>T on the plus strand (G>A on the coding strand, the complement: SLC27A5 is on the minus strand). VCF-style: chr19-58511442-C-T. GRCh37 (hg19) VCF-style: chr19-59022809-C-T.
Other names: c.436+78G>A (NM_001321196.2); short protein forms G172R.
Identifiers: ClinVar variation 2086186 (VCV002086186.4), dbSNP rs746067305, ClinGen allele CA9718268.